The following is an entry in ClinVar:

NM_013352.4(DSE):c.975A>G (p.Gln325=)

Gene: DSE (dermatan sulfate epimerase; plus strand). Cytogenetic location: 6q22.1.
Variant type: single nucleotide variant.
Coding change: c.975A>G on transcript NM_013352.4 (MANE Select); coding-DNA position 975, A replaced by G.
Protein change: p.Gln325=; no amino-acid change (glutamine 325 retained).
Molecular consequence: synonymous variant. On other transcripts: 5 prime UTR variant (1), intron variant (3).
Genome position (GRCh38, 1-based): chr6:116,433,407, A>G. VCF-style: chr6-116433407-A-G. GRCh37 (hg19) VCF-style: chr6-116754570-A-G.
Other names: c.975A>G, p.Gln325= (NM_001080976.3, NM_001322937.2, NM_001322938.2); c.1032A>G, p.Gln344= (NM_001322939.2); c.414A>G, p.Gln138= (NM_001322940.2, NM_001322941.2); c.-25A>G (NM_001374520.1); c.84-2180A>G (NM_001374521.1); c.911-2180A>G (NM_001322944.2); c.671-2180A>G (NM_001322943.2); c.975A>G (NM_013352.3).
Identifiers: ClinVar variation 2772460 (VCV002772460.5), dbSNP rs1476434303, ClinGen allele CA451609509.

ClinVar aggregate classification (germline): Likely benign. Review status: criteria provided, single submitter (1 of 4 stars). 2 submissions from 2 submitters: Likely benign (1). 1 of the submissions does not count toward it. Last evaluated 2025-11-24.

Conditions:
DSE-related disorder. Also called: DSE-related condition.
Ehlers-Danlos syndrome, musculocontractural type 2 (EDSMC2). Identifiers: Orphanet 2953, MedGen C3809845, MONDO:0014236, OMIM 615539.

Allele frequency attached by ClinVar (database versions not stated): gnomAD exomes 0.00001; TOPMed 0.00002; gnomAD 0.00001.
gnomAD v4.1: 13 of 1,551,610 alleles (0.00084%); highest among the groups gnomAD compares: African/African-American, 0.0027%; no homozygotes.

Submissions (2):

Labcorp Genetics (formerly Invitae), Labcorp
Classification: Likely benign for Ehlers-Danlos syndrome, musculocontractural type 2. Last evaluated: 2025-11-24. Review status: criteria provided, single submitter. Criteria: Invitae Variant Classification Sherloc (09022015). Collection method: clinical testing. Allele origin: germline.

PreventionGenetics, part of Exact Sciences
Classification: Likely benign for DSE-related condition. Last evaluated: 2020-01-14. Review status: no assertion criteria provided. Collection method: clinical testing. Allele origin: germline. Not counted in ClinVar's aggregate classification.
Comment: This variant is classified as likely benign based on ACMG/AMP sequence variant interpretation guidelines (Richards et al. 2015 PMID: 25741868, with internal and published modifications).